The following is an entry in ClinVar:

NM_004618.5(TOP3A):c.2148AAAGTT[1] (p.716LK[1])

Gene: TOP3A (DNA topoisomerase III alpha; minus strand). Cytogenetic location: 17p11.2.
Variant type: Microsatellite.
Coding change: c.2148AAAGTT[1] on transcript NM_004618.5 (MANE Select); one copy of the 6-base unit AAAGTT starting at c.2148; the reference has two copies in a row; one copy, 6 bases deleted; also written c.2154_2159del.
Protein change: p.716LK[1].
Molecular consequence: inframe deletion.
Genome position (GRCh38, 1-based): chr17:18,278,343-18,278,348, AACTTT deleted on the plus strand (AAAGTT on the coding strand, the reverse complement: TOP3A is on the minus strand); deleting any 6 consecutive bases within chr17:18,278,343-18,278,357 gives the same sequence; the position shown is the placement nearest the transcript's 3' end. VCF-style (leftmost placement, unchanged base first): chr17-18278342-AAACTTT-A. GRCh37 (hg19) VCF-style: chr17-18181656-AAACTTT-A.
Other names: c.1863AAAGTT[1], p.621LK[1] (NM_001320759.2); c.2154_2159del (NM_004618.4).
Identifiers: ClinVar variation 1896788 (VCV001896788.5), dbSNP rs1223544704, ClinGen allele CA726677733.

ClinVar aggregate classification (germline): Uncertain significance. Review status: criteria provided, multiple submitters, no conflicts (2 of 4 stars). 2 submissions from 2 submitters: Uncertain significance (2). Last evaluated 2025-01-08.

Submissions (2):

GeneDx
Classification: Uncertain significance. Last evaluated: 2025-01-08. Review status: criteria provided, single submitter. Criteria: GeneDx Variant Classification Process June 2021. Collection method: clinical testing. Allele origin: germline. Affected: yes.
Comment: In-frame deletion of 2 amino acids in a non-repeat region; Not observed at significant frequency in large population cohorts (gnomAD); In silico analysis supports that this variant does not alter protein structure/function; Has not been previously published as pathogenic or benign to our knowledge

Labcorp Genetics (formerly Invitae), Labcorp
Classification: Uncertain significance. Last evaluated: 2022-07-28. Review status: criteria provided, single submitter. Criteria: Invitae Variant Classification Sherloc (09022015). Collection method: clinical testing. Allele origin: germline.
Comment: This variant has not been reported in the literature in individuals affected with TOP3A-related conditions. Experimental studies and prediction algorithms are not available or were not evaluated, and the functional significance of this variant is currently unknown. In summary, the available evidence is currently insufficient to determine the role of this variant in disease. Therefore, it has been classified as a Variant of Uncertain Significance. This variant, c.2154_2159del, results in the deletion of 2 amino acid(s) of the TOP3A protein (p.Leu718_Lys719del), but otherwise preserves the integrity of the reading frame. This variant is not present in population databases (gnomAD no frequency).